The following is an entry in ClinVar:

ClinVar aggregate classification (germline): Uncertain significance (0 of 4 stars; one submission).

Conditions:
PLXNA1-related disorder. Also called: PLXNA1-related condition.

Allele frequency attached by ClinVar (database versions not stated): TOPMed below 0.00001; ExAC 0.00001; gnomAD exomes 0.00001.
gnomAD v4.1: 17 of 1,613,728 alleles (0.0011%); highest among the groups gnomAD compares: Non-Finnish European, 0.0014%; no homozygotes.

Submission:

PreventionGenetics, part of Exact Sciences
Classification: Uncertain significance for PLXNA1-related condition. Last evaluated: 2024-01-05. Review status: no assertion criteria provided. Collection method: clinical testing. Allele origin: germline.
Comment: The PLXNA1 c.3461C>T variant is predicted to result in the amino acid substitution p.Pro1154Leu. To our knowledge, this variant has not been reported in the literature. This variant is reported in 0.0016% of alleles in individuals of European (Non-Finnish) descent in gnomAD. At this time, the clinical significance of this variant is uncertain due to the absence of conclusive functional and genetic evidence.

NM_032242.4(PLXNA1):c.3461C>T (p.Pro1154Leu)

Gene: PLXNA1 (plexin A1; plus strand). Cytogenetic location: 3q21.3.
Variant type: single nucleotide variant.
Coding change: c.3461C>T on transcript NM_032242.4 (MANE Select); coding-DNA position 3461, C replaced by T.
Protein change: p.Pro1154Leu; replaces proline 1154 with leucine.
Molecular consequence: missense variant.
Genome position (GRCh38, 1-based): chr3:127,017,609, C>T. VCF-style: chr3-127017609-C-T. GRCh37 (hg19) VCF-style: chr3-126736452-C-T.
Other names: short protein forms P1154L.
Identifiers: ClinVar variation 3036936 (VCV003036936.2), dbSNP rs778769298, ClinGen allele CA2594027.